The following is an entry in ClinVar:

ClinVar aggregate classification (germline): Uncertain significance (1 of 4 stars; one submission).

Conditions:
Mitochondrial DNA depletion syndrome 13. Also called: FBXL4-Related Encephalomyopathic Mitochondrial DNA Depletion Syndrome; Mitochondrial DNA depletion syndrome 13 (encephalomyopathic type). Identifiers: Orphanet 369897, MedGen C3809592, MONDO:0014198, OMIM 615471.

Allele frequency attached by ClinVar (database versions not stated): TOPMed 0.00008; gnomAD 0.00009; ExAC 0.00001; gnomAD exomes 0.00002 and 0.00004.
gnomAD v4.1: 22 of 1,613,938 alleles (0.0014%); highest among the groups gnomAD compares: Admixed American, 0.035%; 1 homozygote.

Submission:

Wong Mito Lab, Molecular and Human Genetics, Baylor College of Medicine
Classification: Uncertain significance for Mitochondrial DNA depletion syndrome 13. Last evaluated: 2017-08-10. Review status: criteria provided, single submitter. Criteria: ACMG Guidelines, 2015. Collection method: reference population. Allele origin: germline.
Comment: The NM_012160.4:c.724G>A (NP_036292.2:p.Asp242Asn) [GRCH38: NC_000006.12:g.98917508C>T] variant in FBXL4 gene is interpretated to be a Uncertain Significance - Conflicting Evidence based on ACMG guidelines (PMID: 25741868). This variant meets one or more of the following evidence codes reported in the ACMG-guideline. PM2:This variant is absent in key population databases. BP4:Computational evidence/predictors indicate no impact on the FBXL4 structure, function, or protein-protein interaction. Based on this evidence code ClinGen Pathogenicity Calculator (PMID:28081714) suggested that the variant is Uncertain Significance - Conflicting Evidence.

NM_001278716.2(FBXL4):c.724G>A (p.Asp242Asn)

Gene: FBXL4 (F-box and leucine rich repeat protein 4; minus strand). Cytogenetic location: 6q16.2.
Variant type: single nucleotide variant.
Coding change: c.724G>A on transcript NM_001278716.2 (MANE Select); coding-DNA position 724, G replaced by A.
Protein change: p.Asp242Asn; replaces aspartic acid 242 with asparagine.
Molecular consequence: missense variant.
Genome position (GRCh38, 1-based): chr6:98,917,508, C>T on the plus strand (G>A on the coding strand, the complement: FBXL4 is on the minus strand). VCF-style: chr6-98917508-C-T. GRCh37 (hg19) VCF-style: chr6-99365384-C-T.
Other names: c.724G>A, p.Asp242Asn (NM_012160.5); short protein forms D242N.
Identifiers: ClinVar variation 437620 (VCV000437620.1), dbSNP rs760356648, ClinGen allele CA3933632.